The following is an entry in ClinVar:

NM_002529.4(NTRK1):c.116C>T (p.Ala39Val)

Gene: NTRK1 (neurotrophic receptor tyrosine kinase 1; plus strand). Cytogenetic location: 1q23.1.
Variant type: single nucleotide variant.
Coding change: c.116C>T on transcript NM_002529.4 (MANE Select); coding-DNA position 116, C replaced by T.
Protein change: p.Ala39Val; replaces alanine 39 with valine.
Molecular consequence: missense variant. On other transcripts: intron variant (1).
Genome position (GRCh38, 1-based): chr1:156,861,050, C>T. VCF-style: chr1-156861050-C-T. GRCh37 (hg19) VCF-style: chr1-156830842-C-T.
Other names: c.116C>T, p.Ala39Val (NM_001007204.1, NM_001012331.2); c.123-3304C>T (NM_001007792.1); short protein forms A39V.
Identifiers: ClinVar variation 2181069 (VCV002181069.1), dbSNP rs1377294547, ClinGen allele CA342929571.

ClinVar aggregate classification (germline): Uncertain significance (1 of 4 stars; one submission).

Conditions:
Hereditary insensitivity to pain with anhidrosis (CIPA). Also called: hereditary sensory and autonomic neuropathy type 4; HSAN Type IV; NTRK1 Congenital Insensitivity to Pain with Anhidrosis; FAMILIAL DYSAUTONOMIA, TYPE II; INSENSITIVITY TO PAIN, CONGENITAL, WITH ANHIDROSIS; NEUROPATHY, CONGENITAL SENSORY, WITH ANHIDROSIS. Identifiers: Orphanet 642, MedGen C0020074, MONDO:0009746, OMIM 256800.

gnomAD v4.1: 6 of 1,559,670 alleles (0.00038%); highest among the groups gnomAD compares: African/African-American, 0.0068%; no homozygotes.

Submission:

Labcorp Genetics (formerly Invitae), Labcorp
Classification: Uncertain significance for Hereditary insensitivity to pain with anhidrosis. Last evaluated: 2022-03-13. Review status: criteria provided, single submitter. Criteria: Invitae Variant Classification Sherloc (09022015). Collection method: clinical testing. Allele origin: germline.
Comment: This sequence change replaces alanine, which is neutral and non-polar, with valine, which is neutral and non-polar, at codon 39 of the NTRK1 protein (p.Ala39Val). The frequency data for this variant in the population databases is considered unreliable, as metrics indicate poor data quality at this position in the gnomAD database. This variant has not been reported in the literature in individuals affected with NTRK1-related conditions. Advanced modeling of protein sequence and biophysical properties (such as structural, functional, and spatial information, amino acid conservation, physicochemical variation, residue mobility, and thermodynamic stability) performed at Invitae indicates that this missense variant is not expected to disrupt NTRK1 protein function. In summary, the available evidence is currently insufficient to determine the role of this variant in disease. Therefore, it has been classified as a Variant of Uncertain Significance.